The following is an entry in ClinVar:

ClinVar aggregate classification (germline): Likely pathogenic (1 of 4 stars; one submission).

Conditions:
Joubert syndrome 20 (JBTS20). Identifiers: MedGen C3554235, MONDO:0013994, OMIM 614970, Orphanet 475.
Meckel syndrome, type 11 (MKS11). Identifiers: Orphanet 564, MedGen C3809352, MONDO:0014164, OMIM 615397.

Allele frequency attached by ClinVar (database versions not stated): gnomAD exomes below 0.00001.
gnomAD v4.1: 1 of 1,586,392 alleles (0.000063%); highest among the groups gnomAD compares: Middle Eastern, 0.017%; no homozygotes.

Submission:

Labcorp Genetics (formerly Invitae), Labcorp
Classification: Likely pathogenic for Joubert syndrome 20; Meckel syndrome, type 11. Last evaluated: 2022-09-28. Review status: criteria provided, single submitter. Criteria: Invitae Variant Classification Sherloc (09022015). Collection method: clinical testing. Allele origin: germline.
Comment: This missense change has been observed in individual(s) with clinical features of Joubert syndrome (Invitae). This variant is not present in population databases (gnomAD no frequency). This sequence change replaces asparagine, which is neutral and polar, with threonine, which is neutral and polar, at codon 90 of the TMEM231 protein (p.Asn90Thr). ClinVar contains an entry for this variant (Variation ID: 863877). In summary, the currently available evidence indicates that the variant is pathogenic, but additional data are needed to prove that conclusively. Therefore, this variant has been classified as Likely Pathogenic. Algorithms developed to predict the effect of sequence changes on RNA splicing suggest that this variant may disrupt the consensus splice site. Algorithms developed to predict the effect of missense changes on protein structure and function are either unavailable or do not agree on the potential impact of this missense change (SIFT: "Tolerated"; PolyPhen-2: "Not Available"; Align-GVGD: "Class C0").

NM_001077418.3(TMEM231):c.140-30A>C

Genes: TMEM231 (transmembrane protein 231; minus strand), LOC130059440 (ATAC-STARR-seq lymphoblastoid silent region 7724; plus strand). Cytogenetic location: 16q23.1.
Variant type: single nucleotide variant.
Coding change: c.140-30A>C on transcript NM_001077418.3 (MANE Select); 30 bases into the intron before coding-DNA position 140, A replaced by C.
Molecular consequence: intron variant. On other transcripts: missense variant (1).
Genome position (GRCh38, 1-based): chr16:75,556,003, T>G on the plus strand (A>C on the coding strand, the complement: TMEM231 is on the minus strand). VCF-style: chr16-75556003-T-G. GRCh37 (hg19) VCF-style: chr16-75589901-T-G.
Other names: c.269A>C, p.Asn90Thr (NM_001077416.2); short protein forms N90T.
Identifiers: ClinVar variation 863877 (VCV000863877.10), dbSNP rs2080806593, ClinGen allele CA396809712.